The following is an entry in ClinVar:

NM_000321.3(RB1):c.133G>T (p.Val45Phe)

Gene: RB1 (RB transcriptional corepressor 1; plus strand). Cytogenetic location: 13q14.2.
Variant type: single nucleotide variant.
Coding change: c.133G>T on transcript NM_000321.3 (MANE Select); coding-DNA position 133, G replaced by T.
Protein change: p.Val45Phe; replaces valine 45 with phenylalanine.
Molecular consequence: missense variant.
Genome position (GRCh38, 1-based): chr13:48,304,045, G>T. VCF-style: chr13-48304045-G-T. GRCh37 (hg19) VCF-style: chr13-48878181-G-T.
Other names: c.133G>T, p.Val45Phe (NM_001407165.1, NM_001407166.1, NM_001407167.1); short protein forms V45F.
Identifiers: ClinVar variation 1944530 (VCV001944530.6), dbSNP rs2138028058, ClinGen allele CA388250397.
Genomic context (GRCh38, chr13:48,304,045, plus strand): 5'-CCGCCGCCCCCTCCTGAGGAGGACCCAGAGCAGGACAGCGGCCCGGAGGACCTGCCTCTC[G>T]TCAGGTGAGCGAGCAGAGCCGCCGTCGCCTCACGCGGGAAGGGCGCCCCGGGTGTGCGTA-3'
Protein context (NP_000312.2, residues 35-55): QDSGPEDLPL[Val45Phe]RLEFEETEEP

ClinVar aggregate classification (germline): Uncertain significance. Review status: criteria provided, multiple submitters, no conflicts (2 of 4 stars). 2 submissions from 2 submitters: Uncertain significance (2). Last evaluated 2025-03-26.

Conditions:
Hereditary cancer-predisposing syndrome. Also called: Tumor predisposition; Hereditary neoplastic syndrome; Neoplastic Syndromes, Hereditary; Hereditary Cancer Syndrome. Identifiers: Orphanet 140162, MedGen C0027672, MeSH D009386, MONDO:0015356.
Retinoblastoma (RB1). Also called: RETINOBLASTOMA, SOMATIC. Identifiers: Orphanet 790, MedGen C0035335, MeSH D012175, MONDO:0008380, OMIM 180200, HP:0009919. Disease mechanism: loss of function. Inheritance: Both sporadic and heritable forms are tested..

Submissions (2):

Ambry Genetics
Classification: Uncertain significance for Hereditary cancer-predisposing syndrome. Last evaluated: 2025-03-26. Review status: criteria provided, single submitter. Criteria: Ambry Variant Classification Scheme 2023. Collection method: clinical testing. Allele origin: germline.
Comment: The p.V45F variant (also known as c.133G>T), located in coding exon 1 of the RB1 gene, results from a G to T substitution at nucleotide position 133. The valine at codon 45 is replaced by phenylalanine, an amino acid with highly similar properties. This amino acid position is conserved. In addition, this alteration is predicted to be tolerated by in silico analysis. Based on the available evidence, the clinical significance of this variant remains unclear.

Labcorp Genetics (formerly Invitae), Labcorp
Classification: Uncertain significance for Retinoblastoma. Last evaluated: 2022-12-31. Review status: criteria provided, single submitter. Criteria: Invitae Variant Classification Sherloc (09022015). Collection method: clinical testing. Allele origin: germline.
Comment: This variant is not present in population databases (gnomAD no frequency). In summary, the available evidence is currently insufficient to determine the role of this variant in disease. Therefore, it has been classified as a Variant of Uncertain Significance. Algorithms developed to predict the effect of missense changes on protein structure and function (SIFT, PolyPhen-2, Align-GVGD) all suggest that this variant is likely to be tolerated. This variant has not been reported in the literature in individuals affected with RB1-related conditions. This sequence change replaces valine, which is neutral and non-polar, with phenylalanine, which is neutral and non-polar, at codon 45 of the RB1 protein (p.Val45Phe).